The following is an entry in ClinVar:

NM_032043.3(BRIP1):c.2803G>A (p.Val935Met)

Gene: BRIP1 (BRCA1 interacting DNA helicase 1; minus strand). Cytogenetic location: 17q23.2.
Variant type: single nucleotide variant.
Coding change: c.2803G>A on transcript NM_032043.3 (MANE Select); coding-DNA position 2803, G replaced by A.
Protein change: p.Val935Met; replaces valine 935 with methionine.
Molecular consequence: missense variant.
Genome position (GRCh38, 1-based): chr17:61,685,938, C>T on the plus strand (G>A on the coding strand, the complement: BRIP1 is on the minus strand). VCF-style: chr17-61685938-C-T. GRCh37 (hg19) VCF-style: chr17-59763299-C-T.
Other names: short protein forms V935M.
Identifiers: ClinVar variation 632727 (VCV000632727.18), dbSNP rs1219152456, ClinGen allele CA400481499.
Genomic context (GRCh38, chr17:61,685,938, plus strand): 5'-TTTTGGTAATAATTTTAGGACACTGTAGTTCCTGGACACATATCTTTGCTTCATCTTCCA[C>T]AAAATTTTCTGGTGATAGATGACTTGCTGCTTCCAGTAAATAAGGTGAGGTACTGTACTT-3'
Protein context (NP_114432.2, residues 925-945): AASHLSPENF[Val935Met]EDEAKICVQE

ClinVar aggregate classification (germline): Uncertain significance. Review status: criteria provided, multiple submitters, no conflicts (2 of 4 stars). 4 submissions from 4 submitters: Uncertain significance (4). Last evaluated 2025-09-28.

Conditions:
Hereditary cancer-predisposing syndrome. Also called: Hereditary Cancer Syndrome; Neoplastic Syndromes, Hereditary; Tumor predisposition; Hereditary neoplastic syndrome. Identifiers: Orphanet 140162, MedGen C0027672, MeSH D009386, MONDO:0015356.
Familial cancer of breast. Also called: BREAST CANCER, FAMILIAL; hereditary breast carcinoma; Hereditary breast cancer. Identifiers: Orphanet 227535, MedGen C0346153, MONDO:0016419, OMIM 114480. Disease mechanism: loss of function.
Fanconi anemia complementation group J. Also called: BRIP1-Related Fanconi Anemia. Identifiers: Orphanet 84, MedGen C1836860, MONDO:0012187, OMIM 609054.

Allele frequency attached by ClinVar (database versions not stated): gnomAD exomes below 0.00001; TOPMed below 0.00001.
gnomAD v4.1: 1 of 1,614,032 alleles (0.000062%); highest among the groups gnomAD compares: Admixed American, 0.0017%; no homozygotes.

Submissions (4):

Labcorp Genetics (formerly Invitae), Labcorp
Classification: Uncertain significance for Familial cancer of breast; Fanconi anemia complementation group J. Last evaluated: 2025-09-28. Review status: criteria provided, single submitter. Criteria: Invitae Variant Classification Sherloc (09022015). Collection method: clinical testing. Allele origin: germline.
Comment: This sequence change replaces valine, which is neutral and non-polar, with methionine, which is neutral and non-polar, at codon 935 of the BRIP1 protein (p.Val935Met). This variant is present in population databases (no rsID available, gnomAD 0.003%). This variant has not been reported in the literature in individuals affected with BRIP1-related conditions. ClinVar contains an entry for this variant (Variation ID: 632727). Invitae Evidence Modeling of protein sequence and biophysical properties (such as structural, functional, and spatial information, amino acid conservation, physicochemical variation, residue mobility, and thermodynamic stability) indicates that this missense variant is not expected to disrupt BRIP1 protein function with a negative predictive value of 95%. In summary, the available evidence is currently insufficient to determine the role of this variant in disease. Therefore, it has been classified as a Variant of Uncertain Significance.

Ambry Genetics
Classification: Uncertain significance for Hereditary cancer-predisposing syndrome. Last evaluated: 2024-12-14. Review status: criteria provided, single submitter. Criteria: Ambry Variant Classification Scheme 2023. Collection method: clinical testing. Allele origin: germline.
Comment: The p.V935M variant (also known as c.2803G>A), located in coding exon 18 of the BRIP1 gene, results from a G to A substitution at nucleotide position 2803. The valine at codon 935 is replaced by methionine, an amino acid with highly similar properties. This amino acid position is conserved. In addition, this alteration is predicted to be tolerated by in silico analysis. Since supporting evidence is limited at this time, the clinical significance of this alteration remains unclear.

Color Diagnostics, LLC DBA Color Health
Classification: Uncertain significance for Hereditary cancer-predisposing syndrome. Last evaluated: 2023-12-04. Review status: criteria provided, single submitter. Criteria: ACMG Guidelines, 2015. Collection method: clinical testing. Allele origin: germline.
Comment: This missense variant replaces valine with methionine at codon 935 of the BRIP1 protein. Computational prediction suggests that this variant may not impact protein structure and function (internally defined REVEL score threshold <= 0.5, PMID: 27666373). To our knowledge, functional studies have not been reported for this variant. This variant has not been reported in individuals affected with BRIP1-related disorders in the literature. This variant has been identified in 1/251356 chromosomes in the general population by the Genome Aggregation Database (gnomAD). The available evidence is insufficient to determine the role of this variant in disease conclusively. Therefore, this variant is classified as a Variant of Uncertain Significance.

Women's Health and Genetics/Laboratory Corporation of America, LabCorp
Classification: Uncertain significance. Last evaluated: 2018-09-28. Review status: criteria provided, single submitter. Criteria: LabCorp Variant Classification Summary - May 2015. Collection method: clinical testing. Allele origin: germline.
Comment: Variant summary: BRIP1 c.2803G>A (p.Val935Met) results in a conservative amino acid change in the encoded protein sequence. Five of five in-silico tools predict a benign effect of the variant on protein function. The variant allele was found at a frequency of 4.1e-06 in 246168 control chromosomes. The available data on variant occurrences in the general population are insufficient to allow any conclusion about variant significance. To our knowledge, no occurrence of c.2803G>A in individuals affected with Hereditary Breast and Ovarian Cancer and no experimental evidence demonstrating its impact on protein function have been reported. No clinical diagnostic laboratories have submitted clinical-significance assessments for this variant to ClinVar after 2014. Based on the evidence outlined above, the variant was classified as uncertain significance.